The following is an entry in ClinVar:

NM_152703.5(SAMD9L):c.3587G>C (p.Cys1196Ser)

Gene: SAMD9L (sterile alpha motif domain containing 9 like; minus strand). Cytogenetic location: 7q21.2.
Variant type: single nucleotide variant.
Coding change: c.3587G>C on transcript NM_152703.5 (MANE Select); coding-DNA position 3587, G replaced by C.
Protein change: p.Cys1196Ser; replaces cysteine 1196 with serine.
Molecular consequence: missense variant.
Genome position (GRCh38, 1-based): chr7:93,132,385, C>G on the plus strand (G>C on the coding strand, the complement: SAMD9L is on the minus strand). VCF-style: chr7-93132385-C-G. GRCh37 (hg19) VCF-style: chr7-92761698-C-G.
Other names: c.3587G>C, p.Cys1196Ser (NM_001303496.3, NM_001303497.3, NM_001303498.3 and 5 more transcripts); short protein forms C1196S.
Identifiers: ClinVar variation 242373 (VCV000242373.4), dbSNP rs878855337, ClinGen allele CA10583999.

ClinVar aggregate classification (germline): Uncertain significance. Review status: criteria provided, single submitter (1 of 4 stars). 4 submissions from 4 submitters: Uncertain significance (1). 3 of the submissions do not count toward it. Last evaluated 2025-03-21.

Conditions:
Ataxia-pancytopenia syndrome (ATXPC). Also called: SAMD9L-Related Syndrome; SAMD9L Ataxia-Pancytopenia Syndrome. Identifiers: Orphanet 2585, MedGen C1327919, MONDO:0008038, OMIM 159550.

Submissions (4):

3billion
Classification: Uncertain significance for Ataxia-pancytopenia syndrome. Last evaluated: 2025-03-21. Review status: criteria provided, single submitter. Criteria: ACMG Guidelines, 2015. Collection method: clinical testing. Allele origin: germline. Affected: yes.
Comment: The variant is not observed in the gnomAD v4.1.0 dataset. Predicted Consequence/Location: Missense changes are a common disease-causing mechanism. In silico tool predictions suggest no damaging effect of the variant on gene or gene product [REVEL: 0.24 (<0.4); 3Cnet: 0.02 (<0.1, specificity 0.84 and negative predicitive value 0.97)]. The same nucleotide change resulting in the same amino acid change has been previously reported to be associated with SAMD9L-related disorder (ClinVar ID: VCV000242373 / PMID: 27259050). The variant has been reported to co-segregate with the disease in at least 3 similarly affected relatives/individuals in the same family or similarly affected unrelated families (PMID: 27259050). However, the evidence of pathogenicity is insufficient at this time. Therefore, this variant is classified as VUS according to the recommendation of ACMG/AMP guideline.

OMIM
Classification: Pathogenic for ATAXIA-PANCYTOPENIA SYNDROME. Last evaluated: 2016-06-30. Review status: no assertion criteria provided. Collection method: literature only. Allele origin: germline. Not counted in ClinVar's aggregate classification.

University of Washington Center for Mendelian Genomics, University of Washington
Classification: Likely pathogenic for Ataxia-pancytopenia syndrome. Last evaluated: 2016-06-06. Review status: no assertion criteria provided. Collection method: research. Allele origin: unknown. Affected: yes. Observed: 3 compound heterozygotes. Not counted in ClinVar's aggregate classification.

GeneReviews
No classification provided. Condition: Ataxia-pancytopenia syndrome. Review status: no classification provided. Collection method: literature only. Allele origin: germline. Not counted in ClinVar's aggregate classification.

Literature cited by the submitters: PubMed 27259050 (cited by 3 submitters); PubMed 283689 (cited by OMIM); PubMed 28570036 (cited by GeneReviews).